The following is an entry in ClinVar:

ClinVar aggregate classification (germline): Uncertain significance (1 of 4 stars; one submission).

Conditions:
Congenital myasthenic syndrome 8. Also called: MYASTHENIC SYNDROME, CONGENITAL, DUE TO AGRIN DEFICIENCY; Myasthenic syndrome, congenital, 8, with pre- and postsynaptic defects. Identifiers: Orphanet 590, MedGen C3808739, MONDO:0014052, OMIM 615120.

gnomAD v4.1: 24 of 1,594,436 alleles (0.0015%); highest among the groups gnomAD compares: South Asian, 0.0088%; no homozygotes.

Submission:

Labcorp Genetics (formerly Invitae), Labcorp
Classification: Uncertain significance for Congenital myasthenic syndrome 8. Last evaluated: 2024-12-04. Review status: criteria provided, single submitter. Criteria: Invitae Variant Classification Sherloc (09022015). Collection method: clinical testing. Allele origin: germline.
Comment: This sequence change replaces proline, which is neutral and non-polar, with leucine, which is neutral and non-polar, at codon 460 of the AGRN protein (p.Pro460Leu). This variant is present in population databases (rs765612444, gnomAD 0.01%). This variant has not been reported in the literature in individuals affected with AGRN-related conditions. An algorithm developed to predict the effect of missense changes on protein structure and function outputs the following: PolyPhen-2: "Probably Damaging". The leucine amino acid residue is found in multiple mammalian species, which suggests that this missense change does not adversely affect protein function. In summary, the available evidence is currently insufficient to determine the role of this variant in disease. Therefore, it has been classified as a Variant of Uncertain Significance.

NM_198576.4(AGRN):c.1379C>T (p.Pro460Leu)

Gene: AGRN (agrin; plus strand). Cytogenetic location: 1p36.33.
Variant type: single nucleotide variant.
Coding change: c.1379C>T on transcript NM_198576.4 (MANE Select); coding-DNA position 1379, C replaced by T.
Protein change: p.Pro460Leu; replaces proline 460 with leucine.
Molecular consequence: missense variant.
Genome position (GRCh38, 1-based): chr1:1,042,157, C>T. VCF-style: chr1-1042157-C-T. GRCh37 (hg19) VCF-style: chr1-977537-C-T.
Other names: c.1379C>T, p.Pro460Leu (NM_001305275.2); c.1064C>T, p.Pro355Leu (NM_001364727.2); short protein forms P460L, P355L.
Identifiers: ClinVar variation 3671014 (VCV003671014.2).